The following is an entry in ClinVar:

ClinVar aggregate classification (germline): Pathogenic/Likely pathogenic. Review status: criteria provided, multiple submitters, no conflicts (2 of 4 stars). 6 submissions from 5 submitters: Pathogenic (3); Likely pathogenic (1). 2 of the submissions do not count toward it. Last evaluated 2026-11-12.

Conditions:
Amelogenesis imperfecta (AI). Also called: Congenital enamel hypoplasia. Identifiers: Orphanet 88661, MedGen C0002452, MONDO:0019507, HP:0000705.
Tricho-dento-osseous syndrome (TDO). Also called: TDO SYNDROME. Identifiers: Orphanet 3352, MedGen C0265333, MONDO:0008592, OMIM 190320.
Hypomaturation-hypoplastic amelogenesis imperfecta with taurodontism. Also called: Amelogenesis imperfecta, type IV. Identifiers: Orphanet 100034, Orphanet 88661, MedGen C1863012, MONDO:0007093, OMIM 104510. Disease mechanism: loss of function.

Submissions (6):

Clinical Genetics Laboratory, Skane University Hospital Lund
Classification: Pathogenic for Amelogenesis imperfecta. Last evaluated: 2026-11-12. Review status: criteria provided, single submitter. Criteria: ACMG Guidelines, 2015. Collection method: clinical testing. Allele origin: germline. Affected: yes. Observed: 1 variant allele.
Comment: DLX3 (NM_005220.3) c.561_562del, p.(Tyr188Glnfs*13) involves a deletion of 2 base pairs in exon 3 (of 3), which leads to a frameshift, a premature stop codon, and consequently a truncated protein. DLX3 c.561_562del has not been observed in the general population and is described in the literature, where it has been shown to segregate within several families (PMID: 26762616, 18203197, 18362318, 15666299). The variant is classified as pathogenic/likely pathogenic in the ClinVar database (Accession: VCV000009073.10). The variant has been classified as pathogenic based on the following ACMG criteria: PS4, PM2, PP1_Strong, and PP4.

GeneDx
Classification: Likely pathogenic. Last evaluated: 2025-03-13. Review status: criteria provided, single submitter. Criteria: GeneDx Variant Classification Process June 2021. Collection method: clinical testing. Allele origin: germline. Affected: yes.
Comment: Frameshift variant predicted to result in abnormal protein length as the last 100 amino acids are replaced with 12 different amino acids with an unclear effect on protein function; Not observed at significant frequency in large population cohorts (gnomAD); This variant is associated with the following publications: (PMID: 30095208, 19608154, 15666299, 18203197, 37228816, 18362318, 26762616)

MVZ Medizinische Genetik Mainz
Classification: Pathogenic for Hypomaturation-hypoplastic amelogenesis imperfecta with taurodontism. Last evaluated: 2024-08-06. Review status: criteria provided, single submitter. Criteria: UK Practice Guidelines For Variant Classification V4 01 2020. Collection method: clinical testing. Allele origin: germline. Inheritance: Autosomal dominant inheritance. Affected: yes. Observed: 1 variant allele.
Comment: ACMG Criteria: PVS1_STR,PS4,PP1_STR,PM2_SUP,PP4

Labcorp Genetics (formerly Invitae), Labcorp
Classification: Pathogenic. Last evaluated: 2021-01-09. Review status: criteria provided, single submitter. Criteria: Invitae Variant Classification Sherloc (09022015). Collection method: clinical testing. Allele origin: germline.
Comment: This sequence change creates a premature translational stop signal (p.Tyr188Glnfs*13) in the DLX3 gene. While this is not anticipated to result in nonsense mediated decay, it is expected to disrupt the last 100 amino acid(s) of the DLX3 protein. This variant is not present in population databases (ExAC no frequency). For these reasons, this variant has been classified as Pathogenic. This variant has been observed in individual(s) with DLX3-related disease (PMID: 15666299, 18203197, 18362318, 26762616). It has also been observed to segregate with disease in related individuals. ClinVar contains an entry for this variant (Variation ID: 9073).

OMIM
Classification: Pathogenic for AMELOGENESIS IMPERFECTA, TYPE IV. Last evaluated: 2008-02-01. Review status: no assertion criteria provided. Collection method: literature only. Allele origin: germline. Not counted in ClinVar's aggregate classification.

OMIM
Classification: Pathogenic for TRICHODENTOOSSEOUS SYNDROME. Last evaluated: 2008-02-01. Review status: no assertion criteria provided. Collection method: literature only. Allele origin: germline. Not counted in ClinVar's aggregate classification.

Literature cited by the submitters: PubMed 15666299 (cited by Labcorp Genetics (formerly Invitae), Labcorp and OMIM); PubMed 18203197 (cited by Labcorp Genetics (formerly Invitae), Labcorp and OMIM); PubMed 18362318 (cited by Labcorp Genetics (formerly Invitae), Labcorp); PubMed 26762616 (cited by Labcorp Genetics (formerly Invitae), Labcorp).

NM_005220.3(DLX3):c.561_562del (p.Tyr188fs)

Gene: DLX3 (distal-less homeobox 3; minus strand). Cytogenetic location: 17q21.33.
Variant type: Microsatellite.
Coding change: c.561_562del on transcript NM_005220.3 (MANE Select); coding-DNA positions 561 to 562, 2 bases deleted (CT; older notation c.561_562delCT).
Protein change: p.Tyr188fs; shifts the reading frame from tyrosine 188.
Molecular consequence: frameshift variant.
Genome position (GRCh38, 1-based): chr17:49,991,819-49,991,820, AG deleted on the plus strand (CT on the coding strand, the reverse complement: DLX3 is on the minus strand); deleting any 2 consecutive bases within chr17:49,991,819-49,991,822 gives the same sequence; the c. name uses the placement nearest the transcript's 3' end. VCF-style (leftmost placement, unchanged base first): chr17-49991818-TAG-T. GRCh37 (hg19) VCF-style: chr17-48069182-TAG-T.
Other names: short protein forms Y188fs.
Identifiers: ClinVar variation 9073 (VCV000009073.11), dbSNP rs387906406, ClinGen allele CA120091.